The following is an entry in ClinVar:

ClinVar aggregate classification (germline): Uncertain significance. Review status: criteria provided, multiple submitters, no conflicts (2 of 4 stars). 2 submissions from 2 submitters: Uncertain significance (2). Last evaluated 2024-05-13.

Conditions:
Inborn genetic diseases. Identifiers: MedGen C0950123, MeSH D030342.
Familial hemophagocytic lymphohistiocytosis 3 (FHL3). Also called: UNC13D-Related Familial Hemophagocytic Lymphohistiocytosis (UNC13D-fHLH). Identifiers: Orphanet 540, MedGen C1837174, MONDO:0012146, OMIM 608898.

Allele frequency attached by ClinVar (database versions not stated): ESP Exome Variant Server 0.00008; gnomAD exomes 0.00004; TOPMed 0.00006; ExAC 0.00007.
gnomAD v4.1: 71 of 1,602,156 alleles (0.0044%); highest among the groups gnomAD compares: Non-Finnish European, 0.0059%; no homozygotes.

Submissions (2):

Ambry Genetics
Classification: Uncertain significance for Inborn genetic diseases. Last evaluated: 2024-05-13. Review status: criteria provided, single submitter. Criteria: Ambry Variant Classification Scheme 2023. Collection method: clinical testing. Allele origin: germline.

Labcorp Genetics (formerly Invitae), Labcorp
Classification: Uncertain significance for Familial hemophagocytic lymphohistiocytosis 3. Last evaluated: 2022-01-06. Review status: criteria provided, single submitter. Criteria: Invitae Variant Classification Sherloc (09022015). Collection method: clinical testing. Allele origin: germline.
Comment: This sequence change replaces proline, which is neutral and non-polar, with leucine, which is neutral and non-polar, at codon 1021 of the UNC13D protein (p.Pro1021Leu). This variant is present in population databases (rs375153464, gnomAD 0.01%). This variant has not been reported in the literature in individuals affected with UNC13D-related conditions. ClinVar contains an entry for this variant (Variation ID: 1044968). Algorithms developed to predict the effect of missense changes on protein structure and function are either unavailable or do not agree on the potential impact of this missense change (SIFT: "Not Available"; PolyPhen-2: "Possibly Damaging"; Align-GVGD: "Not Available"). In summary, the available evidence is currently insufficient to determine the role of this variant in disease. Therefore, it has been classified as a Variant of Uncertain Significance.

NM_199242.3(UNC13D):c.3062C>T (p.Pro1021Leu)

Gene: UNC13D (unc-13 homolog D; minus strand). Cytogenetic location: 17q25.1.
Variant type: single nucleotide variant.
Coding change: c.3062C>T on transcript NM_199242.3 (MANE Select); coding-DNA position 3062, C replaced by T.
Protein change: p.Pro1021Leu; replaces proline 1021 with leucine.
Molecular consequence: missense variant.
Genome position (GRCh38, 1-based): chr17:75,828,876, G>A on the plus strand (C>T on the coding strand, the complement: UNC13D is on the minus strand). VCF-style: chr17-75828876-G-A. GRCh37 (hg19) VCF-style: chr17-73824957-G-A.
Other names: c.3062C>T (NM_199242.2); short protein forms P1021L.
Identifiers: ClinVar variation 1044968 (VCV001044968.8), dbSNP rs375153464, ClinGen allele CA8772288.
Genomic context (GRCh38, chr17:75,828,876, plus strand): 5'-CGGGTCTGAGGCACCTCACCAGGCTCCTCAGAGCCACTCAGCCCGGGCACCTCACGCAGC[G>A]GCAGGAAGGCCTCGCCTTCCAGGTCGTCGGCCCCCAGCGTGTCGTAGTCCAGCACGGTGA-3'
Protein context (NP_954712.1, residues 1011-1031): ADDLEGEAFL[Pro1021Leu]LREVPGLSGS